The following is an entry in ClinVar:

NM_001378969.1(KCND3):c.869G>A (p.Arg290Gln)

Gene: KCND3 (potassium voltage-gated channel subfamily D member 3; minus strand). Cytogenetic location: 1p13.2.
Variant type: single nucleotide variant.
Coding change: c.869G>A on transcript NM_001378969.1 (MANE Select); coding-DNA position 869, G replaced by A.
Protein change: p.Arg290Gln; replaces arginine 290 with glutamine.
Molecular consequence: missense variant.
Genome position (GRCh38, 1-based): chr1:111,981,858, C>T on the plus strand (G>A on the coding strand, the complement: KCND3 is on the minus strand). VCF-style: chr1-111981858-C-T. GRCh37 (hg19) VCF-style: chr1-112524480-C-T.
Other names: c.869G>A, p.Arg290Gln (NM_001378970.1, NM_004980.5, NM_172198.3); short protein forms R290Q.
Identifiers: ClinVar variation 976123 (VCV000976123.2), dbSNP rs1674966041, ClinGen allele CA341821180.

ClinVar aggregate classification (germline): Likely pathogenic. Review status: criteria provided, multiple submitters, no conflicts (2 of 4 stars). 2 submissions from 2 submitters: Likely pathogenic (2). Last evaluated 2022-05-19.

Conditions:
Spinocerebellar ataxia type 19/22 (SCA19). Also called: SPINOCEREBELLAR ATAXIA 19; SPINOCEREBELLAR ATAXIA 22. Identifiers: Orphanet 98772, MedGen C1846367, MONDO:0011819, OMIM 607346.

Submissions (2):

GeneDx
Classification: Likely pathogenic. Last evaluated: 2022-05-19. Review status: criteria provided, single submitter. Criteria: GeneDx Variant Classification Process June 2021. Collection method: clinical testing. Allele origin: germline. Affected: yes.
Comment: Not observed at significant frequency in large population cohorts (gnomAD); In silico analysis supports that this missense variant has a deleterious effect on protein structure/function; This variant is associated with the following publications: (PMID: 32005694)

Institute of Human Genetics, University of Leipzig Medical Center
Classification: Likely pathogenic for Spinocerebellar ataxia type 19/22. Last evaluated: 2018-03-02. Review status: criteria provided, single submitter. Criteria: ACMG Guidelines, 2015. Collection method: clinical testing. Allele origin: de novo. Affected: yes. Observed: 1 variant allele.
Comment: This variant was identified as de novo (maternity and paternity confirmed).